The following is an entry in ClinVar:

NM_031475.3(ESPN):c.847G>C (p.Gly283Arg)

Gene: ESPN (espin; plus strand). Cytogenetic location: 1p36.31.
Variant type: single nucleotide variant.
Coding change: c.847G>C on transcript NM_031475.3 (MANE Select); coding-DNA position 847, G replaced by C.
Protein change: p.Gly283Arg; replaces glycine 283 with arginine.
Molecular consequence: missense variant.
Genome position (GRCh38, 1-based): chr1:6,440,797, G>C. VCF-style: chr1-6440797-G-C. GRCh37 (hg19) VCF-style: chr1-6500857-G-C.
Other names: c.847G>C, p.Gly283Arg (NM_001367473.1, NM_001367474.1); short protein forms G283R.
Identifiers: ClinVar variation 4765155 (VCV004765155.1).

ClinVar aggregate classification (germline): Uncertain significance (1 of 4 stars; one submission).

gnomAD v4.1: 6 of 1,508,294 alleles (0.0004%); highest among the groups gnomAD compares: East Asian, 0.0027%; no homozygotes.

Submission:

Labcorp Genetics (formerly Invitae), Labcorp
Classification: Uncertain significance. Last evaluated: 2025-04-17. Review status: criteria provided, single submitter. Criteria: Invitae Variant Classification Sherloc (09022015). Collection method: clinical testing. Allele origin: germline.
Comment: This sequence change replaces glycine, which is neutral and non-polar, with arginine, which is basic and polar, at codon 283 of the ESPN protein (p.Gly283Arg). This variant is present in population databases (no rsID available, gnomAD 0.01%). This variant has not been reported in the literature in individuals affected with ESPN-related conditions. An algorithm developed to predict the effect of missense changes on protein structure and function (PolyPhen-2) suggests that this variant is likely to be disruptive. In summary, the available evidence is currently insufficient to determine the role of this variant in disease. Therefore, it has been classified as a Variant of Uncertain Significance.